The following is an entry in ClinVar:

ClinVar aggregate classification (germline): Uncertain significance. Review status: criteria provided, multiple submitters, no conflicts (2 of 4 stars). 2 submissions from 2 submitters: Uncertain significance (2). Last evaluated 2023-07-29.

Conditions:
Arthrogryposis, distal, type 1A. Also called: ARTHROGRYPOSIS MULTIPLEX CONGENITA, DISTAL, TYPE I. Identifiers: Orphanet 1146, MedGen C6022280, MONDO:0007157, OMIM 108120.

Submissions (2):

Labcorp Genetics (formerly Invitae), Labcorp
Classification: Uncertain significance for Arthrogryposis, distal, type 1A. Last evaluated: 2023-07-29. Review status: criteria provided, single submitter. Criteria: Invitae Variant Classification Sherloc (09022015). Collection method: clinical testing. Allele origin: germline.
Comment: In summary, the available evidence is currently insufficient to determine the role of this variant in disease. Therefore, it has been classified as a Variant of Uncertain Significance. Advanced modeling of protein sequence and biophysical properties (such as structural, functional, and spatial information, amino acid conservation, physicochemical variation, residue mobility, and thermodynamic stability) has been performed at Invitae for this missense variant, however the output from this modeling did not meet the statistical confidence thresholds required to predict the impact of this variant on TPM2 protein function. ClinVar contains an entry for this variant (Variation ID: 2437203). This variant has not been reported in the literature in individuals affected with TPM2-related conditions. This variant is not present in population databases (gnomAD no frequency). This sequence change replaces lysine, which is basic and polar, with methionine, which is neutral and non-polar, at codon 248 of the TPM2 protein (p.Lys248Met).

Revvity Omics, Revvity
Classification: Uncertain significance. Last evaluated: 2021-10-13. Review status: criteria provided, single submitter. Criteria: ACMG Guidelines, 2015. Collection method: clinical testing. Allele origin: germline.

NM_003289.4(TPM2):c.743A>T (p.Lys248Met)

Gene: TPM2 (tropomyosin 2; minus strand). Cytogenetic location: 9p13.3.
Variant type: single nucleotide variant.
Coding change: c.743A>T on transcript NM_003289.4 (MANE Select); coding-DNA position 743, A replaced by T.
Protein change: p.Lys248Met; replaces lysine 248 with methionine.
Molecular consequence: missense variant.
Genome position (GRCh38, 1-based): chr9:35,684,275, T>A on the plus strand (A>T on the coding strand, the complement: TPM2 is on the minus strand). VCF-style: chr9-35684275-T-A. GRCh37 (hg19) VCF-style: chr9-35684272-T-A.
Other names: c.743A>T, p.Lys248Met (NM_001301226.2, NM_001301227.2, NM_213674.1); short protein forms K248M.
Identifiers: ClinVar variation 2437203 (VCV002437203.6), dbSNP rs2490675450, ClinGen allele CA373363977.